The following is an entry in ClinVar:

ClinVar aggregate classification (germline): Conflicting classifications of pathogenicity. Review status: criteria provided, conflicting classifications (1 of 4 stars). 3 submissions from 3 submitters: Uncertain significance (1); Likely benign (2). Last evaluated 2025-12-21.

Conditions:
Hereditary cancer-predisposing syndrome. Also called: Neoplastic Syndromes, Hereditary; Tumor predisposition; Hereditary Cancer Syndrome; Hereditary neoplastic syndrome. Identifiers: Orphanet 140162, MedGen C0027672, MeSH D009386, MONDO:0015356.

Allele frequency attached by ClinVar (database versions not stated): gnomAD exomes below 0.00001 and 0.00001; ExAC 0.00001; TOPMed 0.00005.
gnomAD v4.1: 11 of 1,613,936 alleles (0.00068%); highest among the groups gnomAD compares: East Asian, 0.0022%; 1 homozygote.

Submissions (3):

Labcorp Genetics (formerly Invitae), Labcorp
Classification: Likely benign. Last evaluated: 2025-12-21. Review status: criteria provided, single submitter. Criteria: Invitae Variant Classification Sherloc (09022015). Collection method: clinical testing. Allele origin: germline.

GeneDx
Classification: Uncertain significance. Last evaluated: 2023-12-14. Review status: criteria provided, single submitter. Criteria: GeneDx Variant Classification Process June 2021. Collection method: clinical testing. Allele origin: germline. Affected: yes.
Comment: Not observed at significant frequency in large population cohorts (gnomAD); In silico analysis suggests this variant may impact gene splicing. In the absence of RNA/functional studies, the actual effect of this sequence change is unknown.; Has not been previously published as pathogenic or benign to our knowledge

Ambry Genetics
Classification: Likely benign for Hereditary cancer-predisposing syndrome. Last evaluated: 2016-04-27. Review status: criteria provided, single submitter. Criteria: Ambry Variant Classification Scheme 2023. Collection method: clinical testing. Allele origin: germline.

NM_006231.4(POLE):c.2502C>T (p.Ile834=)

Gene: POLE (DNA polymerase epsilon, catalytic subunit; minus strand). Cytogenetic location: 12q24.33.
Variant type: single nucleotide variant.
Coding change: c.2502C>T on transcript NM_006231.4 (MANE Select); coding-DNA position 2502, C replaced by T.
Protein change: p.Ile834=; no amino-acid change (isoleucine 834 retained).
Molecular consequence: synonymous variant.
Genome position (GRCh38, 1-based): chr12:132,664,429, G>A on the plus strand (C>T on the coding strand, the complement: POLE is on the minus strand). VCF-style: chr12-132664429-G-A. GRCh37 (hg19) VCF-style: chr12-133241015-G-A.
Identifiers: ClinVar variation 484454 (VCV000484454.17), dbSNP rs769459883, ClinGen allele CA6893524.
Genomic context (GRCh38, chr12:132,664,429, plus strand): 5'-CCCAATCTGCTCGATCAGCTCCCGTGCCTGGGTGATGATGTTGGCCCCTGTGAAGCAGAC[G>A]ATGCCAGCCATCTCCATGGAGTACCAGCGAGCCCTGAGAGGACACCACAAACTGGTGGGT-3'
Protein context (NP_006222.2, residues 824-844): ARWYSMEMAG[Ile834=]VCFTGANIIT